The following is an entry in ClinVar:

NM_001130987.2(DYSF):c.5887T>C (p.Ser1963Pro)

Gene: DYSF (dysferlin; plus strand). Cytogenetic location: 2p13.2.
Variant type: single nucleotide variant.
Coding change: c.5887T>C on transcript NM_001130987.2 (MANE Select); coding-DNA position 5887, T replaced by C.
Protein change: p.Ser1963Pro; replaces serine 1963 with proline.
Molecular consequence: missense variant.
Genome position (GRCh38, 1-based): chr2:71,679,059, T>C. VCF-style: chr2-71679059-T-C. GRCh37 (hg19) VCF-style: chr2-71906189-T-C.
Other names: c.5773T>C, p.Ser1925Pro (NM_001130455.2); c.5728T>C, p.Ser1910Pro (NM_001130976.2); c.5791T>C, p.Ser1931Pro (NM_001130977.2); c.5833T>C, p.Ser1945Pro (NM_001130978.2); c.5863T>C, p.Ser1955Pro (NM_001130979.2); c.5821T>C, p.Ser1941Pro (NM_001130980.2); c.5884T>C, p.Ser1962Pro (NM_001130981.2); c.5866T>C, p.Ser1956Pro (NM_001130982.2); and 5 more; short protein forms S1911P, S1924P, S1931P, S1946P, S1932P, S1942P, S1945P, S1962P.
Identifiers: ClinVar variation 1398064 (VCV001398064.8), dbSNP rs2152967724, ClinGen allele CA347226216.

ClinVar aggregate classification (germline): Uncertain significance (1 of 4 stars; one submission).

Conditions:
Neuromuscular disease caused by qualitative or quantitative defects of dysferlin. Also called: Qualitative or quantitative defects of dysferlin; Dysferlinopathy. Identifiers: Orphanet 207073, MedGen C2931687, MONDO:0016145.

Submission:

Labcorp Genetics (formerly Invitae), Labcorp
Classification: Uncertain significance for Neuromuscular disease caused by qualitative or quantitative defects of dysferlin. Last evaluated: 2021-05-17. Review status: criteria provided, single submitter. Criteria: Invitae Variant Classification Sherloc (09022015). Collection method: clinical testing. Allele origin: germline.
Comment: This variant has been observed in individual(s) with clinical features of DYSF-related conditions (Invitae). In at least one individual the data is consistent with the variant being in trans (on the opposite chromosome) from a pathogenic variant. In summary, the available evidence is currently insufficient to determine the role of this variant in disease. Therefore, it has been classified as a Variant of Uncertain Significance. Algorithms developed to predict the effect of missense changes on protein structure and function are either unavailable or do not agree on the potential impact of this missense change (SIFT: "Tolerated"; PolyPhen-2: "Possibly Damaging"; Align-GVGD: "Class C0"). This variant is not present in population databases (ExAC no frequency). This sequence change replaces serine with proline at codon 1924 of the DYSF protein (p.Ser1924Pro). The serine residue is moderately conserved and there is a moderate physicochemical difference between serine and proline.